The following is an entry in ClinVar:

NM_001367624.2(ZNF469):c.11550G>T (p.Lys3850Asn)

Gene: ZNF469 (zinc finger protein 469; plus strand). Cytogenetic location: 16q24.2.
Variant type: single nucleotide variant.
Coding change: c.11550G>T on transcript NM_001367624.2 (MANE Select); coding-DNA position 11550, G replaced by T.
Protein change: p.Lys3850Asn; replaces lysine 3850 with asparagine.
Molecular consequence: missense variant.
Genome position (GRCh38, 1-based): chr16:88,439,020, G>T. VCF-style: chr16-88439020-G-T. GRCh37 (hg19) VCF-style: chr16-88505428-G-T.
Other names: NM_001127464.1:c.11466G>T; short protein forms K3850N.
Identifiers: ClinVar variation 1732486 (VCV001732486.2), dbSNP rs2507609412, ClinGen allele CA397130378.

ClinVar aggregate classification (germline): Uncertain significance (1 of 4 stars; one submission).

Conditions:
Cardiovascular phenotype. Identifiers: MedGen CN230736.

Submission:

Ambry Genetics
Classification: Uncertain significance for Cardiovascular phenotype. Last evaluated: 2020-09-01. Review status: criteria provided, single submitter. Criteria: Ambry Variant Classification Scheme 2023. Collection method: clinical testing. Allele origin: germline.
Comment: The p.K3822N variant (also known as c.11466G>T), located in coding exon 2 of the ZNF469 gene, results from a G to T substitution at nucleotide position 11466. The lysine at codon 3822 is replaced by asparagine, an amino acid with similar properties. This amino acid position is not well conserved in available vertebrate species. In addition, this alteration is predicted to be tolerated by in silico analysis. Since supporting evidence is limited at this time, the clinical significance of this alteration remains unclear.